The following is an entry in ClinVar:

NM_005120.3(MED12):c.4282G>A (p.Val1428Met)

Gene: MED12 (mediator complex subunit 12; plus strand). Cytogenetic location: Xq13.1.
Variant type: single nucleotide variant.
Coding change: c.4282G>A on transcript NM_005120.3 (MANE Select); coding-DNA position 4282, G replaced by A.
Protein change: p.Val1428Met; replaces valine 1428 with methionine.
Molecular consequence: missense variant.
Genome position (GRCh38, 1-based): chrX:71,132,405, G>A. VCF-style: chrX-71132405-G-A. GRCh37 (hg19) VCF-style: chrX-70352255-G-A.
Other names: short protein forms V1428M.
Identifiers: ClinVar variation 4801079 (VCV004801079.1).
Genomic context (GRCh38, chrX:71,132,405, plus strand): 5'-CTGTGACCCTGTGTCCTCTGTCTGTTCTCCAGCTCTCTAGAGCGCTCTGGTGTATGGCTG[G>A]TGGCCCCCCTCATTGCTAAACTGCCCACCTCAGTCCAGGGACATGTGTTAAAGGCTGCTG-3'
Protein context (NP_005111.2, residues 1418-1438): SSLERSGVWL[Val1428Met]APLIAKLPTS

ClinVar aggregate classification (germline): Uncertain significance (1 of 4 stars; one submission).

Conditions:
FG syndrome (FGS). Identifiers: MedGen C0220769, MONDO:0002010.

Submission:

Labcorp Genetics (formerly Invitae), Labcorp
Classification: Uncertain significance for FG syndrome. Last evaluated: 2025-05-05. Review status: criteria provided, single submitter. Criteria: Invitae Variant Classification Sherloc (09022015). Collection method: clinical testing. Allele origin: germline.
Comment: This sequence change replaces valine, which is neutral and non-polar, with methionine, which is neutral and non-polar, at codon 1428 of the MED12 protein (p.Val1428Met). This variant is not present in population databases (gnomAD no frequency). This variant has not been reported in the literature in individuals affected with MED12-related conditions. Invitae Evidence Modeling of protein sequence and biophysical properties (such as structural, functional, and spatial information, amino acid conservation, physicochemical variation, residue mobility, and thermodynamic stability) has been performed for this missense variant. However, the output from this modeling did not meet the statistical confidence thresholds required to predict the impact of this variant on MED12 protein function. In summary, the available evidence is currently insufficient to determine the role of this variant in disease. Therefore, it has been classified as a Variant of Uncertain Significance.